The following is an entry in ClinVar:

NM_025215.6(PUS1):c.1282T>C (p.Ter428Arg)

Gene: PUS1 (pseudouridine synthase 1; plus strand). Cytogenetic location: 12q24.33.
Variant type: single nucleotide variant.
Coding change: c.1282T>C on transcript NM_025215.6 (MANE Select); coding-DNA position 1282, T replaced by C.
Protein change: p.Ter428Arg.
Molecular consequence: stop lost.
Genome position (GRCh38, 1-based): chr12:131,943,584, T>C. VCF-style: chr12-131943584-T-C. GRCh37 (hg19) VCF-style: chr12-132428129-T-C.
Other names: c.1198T>C, p.Ter400Arg (NM_001002019.3, NM_001002020.3).
Identifiers: ClinVar variation 5003795 (VCV005003795.1).
Genomic context (GRCh38, chr12:131,943,584, plus strand): 5'-GGTCTTCTTCTGCAGGTGCCCAGTCCCCTGGAAGGCAGTGAAGGGGACGGAGACACTGAC[T>C]GAGGCGATGGGAGCTGCCCACCAGAGTGCCTCTGAGCAGCTCACAGTGTGTGCCCAGATG-3'

ClinVar aggregate classification (germline): Uncertain significance (1 of 4 stars; one submission).

Conditions:
Myopathy, lactic acidosis, and sideroblastic anemia 1 (MLASA1). Identifiers: Orphanet 2598, MedGen C4551958, MONDO:0024553, OMIM 600462.

Submission:

Myriad Genetics, Inc.
Classification: Uncertain significance for Myopathy, lactic acidosis, and sideroblastic anemia 1. Last evaluated: 2026-07-14. Review status: criteria provided, single submitter. Criteria: Myriad Autosomal Dominant, Autosomal Recessive and X-Linked Classification Criteria (2023). Collection method: clinical testing. Allele origin: unknown.
Comment: NM_025215.5(PUS1):c.1282T>C(*428Rext*11) is a stop-loss variant classified as a variant of uncertain significance in the context of myopathy, lactic acidosis, and sideroblastic anemia 1. *428Rext*11 has not been observed in cases with relevant disease. Relevant functional assessments of this variant are not available in the literature. *428Rext*11 has not been observed in referenced population frequency databases. In summary, there is insufficient evidence to classify NM_025215.5(PUS1):c.1282T>C(*428Rext*11) as pathogenic or benign. Please note: this variant was assessed in the context of healthy population screening.